The following is an entry in ClinVar:

NM_001378452.1(ITPR1):c.1431A>G (p.Leu477=)

Gene: ITPR1 (inositol 1,4,5-trisphosphate receptor type 1; plus strand). Cytogenetic location: 3p26.1.
Variant type: single nucleotide variant.
Coding change: c.1431A>G on transcript NM_001378452.1 (MANE Select); coding-DNA position 1431, A replaced by G.
Protein change: p.Leu477=; no amino-acid change (leucine 477 retained).
Molecular consequence: synonymous variant.
Genome position (GRCh38, 1-based): chr3:4,663,083, A>G. VCF-style: chr3-4663083-A-G. GRCh37 (hg19) VCF-style: chr3-4704767-A-G.
Other names: c.1386A>G (NM_002222.5); c.1431A>G, p.Leu477= (NM_001099952.4); c.1386A>G, p.Leu462= (NM_001168272.2, NM_002222.7).
Identifiers: ClinVar variation 1933188 (VCV001933188.7), dbSNP rs773337335, ClinGen allele CA2231193.
Genomic context (GRCh38, chr3:4,663,083, plus strand): 5'-ACACTGAACACATCTGTCTCTAATAGCGTCTTTCCTCCTAAGGTCTGTAACCAAGCTGCT[A>G]GAAGATTTGGTTTACTTCGTCACTGGTGGAACTAATTCTGGTCAAGATGTTCTCGAAGTT-3'
Protein context (NP_001365381.1, residues 467-487): QNERRSVTKL[Leu477=]EDLVYFVTGG

ClinVar aggregate classification (germline): Likely benign. Review status: criteria provided, single submitter (1 of 4 stars). 2 submissions from 2 submitters: Likely benign (1). 1 of the submissions does not count toward it. Last evaluated 2022-05-21.

Conditions:
ITPR1-related disorder. Also called: ITPR1-related condition.

Allele frequency attached by ClinVar (database versions not stated): gnomAD 0.00001; gnomAD exomes 0.00001; TOPMed 0.00001; ExAC 0.00002.
gnomAD v4.1: 13 of 1,613,622 alleles (0.00081%); highest among the groups gnomAD compares: Middle Eastern, 0.016%; no homozygotes.

Submissions (2):

Labcorp Genetics (formerly Invitae), Labcorp
Classification: Likely benign. Last evaluated: 2022-05-21. Review status: criteria provided, single submitter. Criteria: Invitae Variant Classification Sherloc (09022015). Collection method: clinical testing. Allele origin: germline.

PreventionGenetics, part of Exact Sciences
Classification: Likely benign for ITPR1-related condition. Last evaluated: 2020-04-29. Review status: no assertion criteria provided. Collection method: clinical testing. Allele origin: germline. Not counted in ClinVar's aggregate classification.
Comment: This variant is classified as likely benign based on ACMG/AMP sequence variant interpretation guidelines (Richards et al. 2015 PMID: 25741868, with internal and published modifications).